The following is an entry in ClinVar:

NM_001048174.2(MUTYH):c.802C>A (p.Leu268Met)

Gene: MUTYH (mutY DNA glycosylase; minus strand). Cytogenetic location: 1p34.1.
Variant type: single nucleotide variant.
Coding change: c.802C>A on transcript NM_001048174.2 (MANE Select); coding-DNA position 802, C replaced by A.
Protein change: p.Leu268Met; replaces leucine 268 with methionine.
Molecular consequence: missense variant. On other transcripts: non-coding transcript variant (7).
Genome position (GRCh38, 1-based): chr1:45,332,213, G>T on the plus strand (C>A on the coding strand, the complement: MUTYH is on the minus strand). VCF-style: chr1-45332213-G-T. GRCh37 (hg19) VCF-style: chr1-45797885-G-T.
Other names: c.802C>A, p.Leu268Met (NM_001048171.2, NM_001048173.2, NM_001407070.1 and 6 more transcripts); c.805C>A, p.Leu269Met (NM_001048172.2, NM_001407071.1, NM_001407078.1 and 1 more transcripts); c.457C>A, p.Leu153Met (NM_001350651.2, NM_001350650.2, NM_001407082.1); c.835C>A, p.Leu279Met (NM_001407069.1, NM_001407077.1, NM_001293191.2); c.718C>A, p.Leu240Met (NM_001407075.1); c.763C>A, p.Leu255Met (NM_001407079.1); c.526C>A, p.Leu176Met (NM_001407091.1, NM_001293192.2, NM_001293196.2); c.877C>A, p.Leu293Met (NM_012222.3); and 5 more; short protein forms L268M, L283M, L275M, L296M, L153M, L254M, L269M, L279M.
Identifiers: ClinVar variation 4113880 (VCV004113880.1).
Genomic context (GRCh38, chr1:45,332,213, plus strand): 5'-CCAGTAGGCTTACTCTCTGGCGTGCCCGGCACAGGCTCTCCACAGGGCACTGGCTGCACA[G>T]TGGGCGCTGTGGGGTACACACTGTGGCCCCTAGCTCCATGGCTGCTTGGTTGAAATCTCC-3'
Protein context (NP_001041639.1, residues 258-278): GATVCTPQRP[Leu268Met]CSQCPVESLC

ClinVar aggregate classification (germline): Uncertain significance (1 of 4 stars; one submission).

Conditions:
Hereditary cancer-predisposing syndrome. Also called: Hereditary neoplastic syndrome; Neoplastic Syndromes, Hereditary; Tumor predisposition; Hereditary Cancer Syndrome. Identifiers: Orphanet 140162, MedGen C0027672, MeSH D009386, MONDO:0015356.

Submission:

Ambry Genetics
Classification: Uncertain significance for Hereditary cancer-predisposing syndrome. Last evaluated: 2025-08-27. Review status: criteria provided, single submitter. Criteria: Ambry Variant Classification Scheme 2023. Collection method: clinical testing. Allele origin: germline.
Comment: The p.L296M variant (also known as c.886C>A), located in coding exon 10 of the MUTYH gene, results from a C to A substitution at nucleotide position 886. The leucine at codon 296 is replaced by methionine, an amino acid with highly similar properties. This amino acid position is conserved. In addition, the in silico prediction for this alteration is inconclusive. Based on the available evidence, the clinical significance of this variant remains unclear.